The following is an entry in ClinVar:

ClinVar aggregate classification (germline): Uncertain significance. Review status: criteria provided, multiple submitters, no conflicts (2 of 4 stars). 2 submissions from 2 submitters: Uncertain significance (2). Last evaluated 2025-06-01.

Conditions:
Hereditary cancer-predisposing syndrome. Also called: Hereditary Cancer Syndrome; Tumor predisposition; Hereditary neoplastic syndrome; Neoplastic Syndromes, Hereditary. Identifiers: Orphanet 140162, MedGen C0027672, MeSH D009386, MONDO:0015356.

Submissions (2):

Ambry Genetics
Classification: Uncertain significance for Hereditary cancer-predisposing syndrome. Last evaluated: 2025-06-01. Review status: criteria provided, single submitter. Criteria: Ambry Variant Classification Scheme 2023. Collection method: clinical testing. Allele origin: germline.
Comment: The p.I1853V variant (also known as c.5557A>G), located in coding exon 41 of the POLE gene, results from an A to G substitution at nucleotide position 5557. The isoleucine at codon 1853 is replaced by valine, an amino acid with highly similar properties. This amino acid position is conserved. In addition, this alteration is predicted to be tolerated by in silico analysis. Based on the available evidence, the clinical significance of this variant remains unclear.

Labcorp Genetics (formerly Invitae), Labcorp
Classification: Uncertain significance. Last evaluated: 2024-08-13. Review status: criteria provided, single submitter. Criteria: Invitae Variant Classification Sherloc (09022015). Collection method: clinical testing. Allele origin: germline.
Comment: This sequence change replaces isoleucine, which is neutral and non-polar, with valine, which is neutral and non-polar, at codon 1853 of the POLE protein (p.Ile1853Val). This variant is not present in population databases (gnomAD no frequency). This variant has not been reported in the literature in individuals affected with POLE-related conditions. Advanced modeling of protein sequence and biophysical properties (such as structural, functional, and spatial information, amino acid conservation, physicochemical variation, residue mobility, and thermodynamic stability) performed at Invitae indicates that this missense variant is not expected to disrupt POLE protein function with a negative predictive value of 80%. In summary, the available evidence is currently insufficient to determine the role of this variant in disease. Therefore, it has been classified as a Variant of Uncertain Significance.

NM_006231.4(POLE):c.5557A>G (p.Ile1853Val)

Gene: POLE (DNA polymerase epsilon, catalytic subunit; minus strand). Cytogenetic location: 12q24.33.
Variant type: single nucleotide variant.
Coding change: c.5557A>G on transcript NM_006231.4 (MANE Select); coding-DNA position 5557, A replaced by G.
Protein change: p.Ile1853Val; replaces isoleucine 1853 with valine.
Molecular consequence: missense variant.
Genome position (GRCh38, 1-based): chr12:132,638,135, T>C on the plus strand (A>G on the coding strand, the complement: POLE is on the minus strand). VCF-style: chr12-132638135-T-C. GRCh37 (hg19) VCF-style: chr12-133214721-T-C.
Other names: c.5557A>G (NM_006231.2); short protein forms I1853V.
Identifiers: ClinVar variation 3662203 (VCV003662203.3).